The following is an entry in ClinVar:

ClinVar aggregate classification (germline): Pathogenic (1 of 4 stars; one submission).

Conditions:
Distal myopathy with posterior leg and anterior hand involvement. Also called: WILLIAMS DISTAL MYOPATHY. Identifiers: Orphanet 63273, MedGen C3279722, MONDO:0013550, OMIM 614065.
Hypertrophic cardiomyopathy 26. Also called: Cardiomyopathy, familial hypertrophic, 26. Identifiers: Orphanet 75249, MedGen C4310749, MONDO:0014883, OMIM 617047.
Myofibrillar myopathy 5. Also called: FILAMINOPATHY, AUTOSOMAL DOMINANT; Filaminopathy (type). Identifiers: Orphanet 171445, MedGen C1836050, MONDO:0012289, OMIM 609524.

Submission:

Labcorp Genetics (formerly Invitae), Labcorp
Classification: Pathogenic for Distal myopathy with posterior leg and anterior hand involvement; Myofibrillar myopathy 5; Hypertrophic cardiomyopathy 26. Last evaluated: 2025-12-13. Review status: criteria provided, single submitter. Criteria: Invitae Variant Classification Sherloc (09022015). Collection method: clinical testing. Allele origin: germline.
Comment: This sequence change creates a premature translational stop signal (p.Gln1522Argfs*85) in the FLNC gene. It is expected to result in an absent or disrupted protein product. Loss-of-function variants in FLNC are known to be pathogenic (PMID: 27908349). This variant is not present in population databases (gnomAD no frequency). This variant has not been reported in the literature in individuals affected with FLNC-related conditions. ClinVar contains an entry for this variant (Variation ID: 1452430). For these reasons, this variant has been classified as Pathogenic.

Literature cited by the submitters: PubMed 27908349.

NM_001458.5(FLNC):c.4564del (p.Gln1522fs)

Gene: FLNC (filamin C; plus strand). Cytogenetic location: 7q32.1.
Variant type: Deletion.
Coding change: c.4564del on transcript NM_001458.5 (MANE Select); coding-DNA position 4564, one base deleted (C; older notation c.4564delC).
Protein change: p.Gln1522fs; shifts the reading frame from glutamine 1522.
Molecular consequence: frameshift variant.
Genome position (GRCh38, 1-based): chr7:128,848,052, C deleted; the last of 2 consecutive C bases (chr7:128,848,051-128,848,052); deleting either gives the same sequence. VCF-style (leftmost placement, unchanged base first): chr7-128848050-AC-A. GRCh37 (hg19) VCF-style: chr7-128488104-AC-A.
Other names: c.4564del, p.Gln1522fs (NM_001127487.2); short protein forms Q1522fs.
Identifiers: ClinVar variation 1452430 (VCV001452430.6), dbSNP rs2128937368, ClinGen allele CA2573141612.